The following is an entry in ClinVar:

NM_000548.5(TSC2):c.241C>T (p.Leu81Phe)

Gene: TSC2 (TSC complex subunit 2; plus strand). Cytogenetic location: 16p13.3.
Variant type: single nucleotide variant.
Coding change: c.241C>T on transcript NM_000548.5 (MANE Select); coding-DNA position 241, C replaced by T.
Protein change: p.Leu81Phe; replaces leucine 81 with phenylalanine.
Molecular consequence: missense variant. On other transcripts: intron variant (2).
Genome position (GRCh38, 1-based): chr16:2,053,357, C>T. VCF-style: chr16-2053357-C-T. GRCh37 (hg19) VCF-style: chr16-2103358-C-T.
Other names: c.241C>T, p.Leu81Phe (NM_001077183.3, NM_001114382.3, NM_001363528.2 and 10 more transcripts); c.94C>T, p.Leu32Phe (NM_001318829.2, NM_001406675.1, NM_001406676.1 and 2 more transcripts); c.274C>T, p.Leu92Phe (NM_001318832.2); c.-576C>T (NM_001406680.1, NM_001406683.1, NM_001406687.1); c.-205C>T (NM_001406681.1); c.-1191C>T (NM_001406689.1, NM_001406690.1, NM_001406691.1 and 2 more transcripts); c.-1497C>T (NM_001406693.1); c.-1072C>T (NM_001406694.1, NM_001406695.1); and 4 more; short protein forms L32F, L92F, L81F.
Identifiers: ClinVar variation 1790993 (VCV001790993.8), dbSNP rs2548396461, ClinGen allele CA394305482.

ClinVar aggregate classification (germline): Uncertain significance. Review status: criteria provided, multiple submitters, no conflicts (2 of 4 stars). 4 submissions from 4 submitters: Uncertain significance (4). Last evaluated 2025-09-04.

Conditions:
Lymphangiomyomatosis (LAM). Also called: Lymphangioleiomyomatosis, somatic; Lymphangioleiomyomatosis. Identifiers: Orphanet 538, MedGen C0751674, MONDO:0011705, OMIM 606690.
Isolated focal cortical dysplasia type II (FCORD2). Also called: CORTICAL DYSPLASIA OF TAYLOR; Focal cortical dysplasia type II. Identifiers: Orphanet 268994, MedGen C1846385, MONDO:0011818, OMIM 607341, HP:0032051.
Tuberous sclerosis 2 (TSC2). Identifiers: Orphanet 805, MedGen C1860707, MONDO:0013199, OMIM 613254.
Tuberous sclerosis syndrome (TSC). Also called: Tuberous sclerosis; Tuberous Sclerosis Complex. Identifiers: Orphanet 805, MedGen C0041341, MONDO:0001734.
Hereditary cancer-predisposing syndrome. Also called: Neoplastic Syndromes, Hereditary; Tumor predisposition; Hereditary neoplastic syndrome; Hereditary Cancer Syndrome. Identifiers: Orphanet 140162, MedGen C0027672, MeSH D009386, MONDO:0015356.

Allele frequency attached by ClinVar (database versions not stated): gnomAD exomes below 0.00001.
gnomAD v4.1: 1 of 1,586,698 alleles (0.000063%); highest among the groups gnomAD compares: Non-Finnish European, 0.000086%; no homozygotes.

Submissions (4):

Color Diagnostics, LLC DBA Color Health
Classification: Uncertain significance for Tuberous sclerosis syndrome. Last evaluated: 2025-09-04. Review status: criteria provided, single submitter. Criteria: ACMG Guidelines, 2015. Collection method: clinical testing. Allele origin: germline.
Comment: This missense variant replaces leucine with phenylalanine at codon 81 of the TSC2 protein. Computational prediction is inconclusive regarding the impact of this variant on protein structure and function. To our knowledge, functional studies have not been reported for this variant. This variant has not been reported in individuals affected with TSC2-related disorders in the literature. This variant has not been identified in the general population by the Genome Aggregation Database (gnomAD). The available evidence is insufficient to determine the role of this variant in disease conclusively. Therefore, this variant is classified as a Variant of Uncertain Significance.

Ambry Genetics
Classification: Uncertain significance for Hereditary cancer-predisposing syndrome. Last evaluated: 2024-11-12. Review status: criteria provided, single submitter. Criteria: Ambry Variant Classification Scheme 2023. Collection method: clinical testing. Allele origin: germline.
Comment: The p.L81F variant (also known as c.241C>T), located in coding exon 3 of the TSC2 gene, results from a C to T substitution at nucleotide position 241. The leucine at codon 81 is replaced by phenylalanine, an amino acid with highly similar properties. This amino acid position is not well conserved in available vertebrate species. In addition, the in silico prediction for this alteration is inconclusive. Based on the available evidence, the clinical significance of this variant remains unclear.

Labcorp Genetics (formerly Invitae), Labcorp
Classification: Uncertain significance for Tuberous sclerosis 2. Last evaluated: 2024-04-29. Review status: criteria provided, single submitter. Criteria: Invitae Variant Classification Sherloc (09022015). Collection method: clinical testing. Allele origin: germline.
Comment: This sequence change replaces leucine, which is neutral and non-polar, with phenylalanine, which is neutral and non-polar, at codon 81 of the TSC2 protein (p.Leu81Phe). This variant is not present in population databases (gnomAD no frequency). This variant has not been reported in the literature in individuals affected with TSC2-related conditions. ClinVar contains an entry for this variant (Variation ID: 1790993). Advanced modeling of protein sequence and biophysical properties (such as structural, functional, and spatial information, amino acid conservation, physicochemical variation, residue mobility, and thermodynamic stability) performed at Invitae indicates that this missense variant is not expected to disrupt TSC2 protein function with a negative predictive value of 95%. In summary, the available evidence is currently insufficient to determine the role of this variant in disease. Therefore, it has been classified as a Variant of Uncertain Significance.

Fulgent Genetics
Classification: Uncertain significance for Lymphangiomyomatosis; Isolated focal cortical dysplasia type II; Tuberous sclerosis 2. Last evaluated: 2024-02-17. Review status: criteria provided, single submitter. Criteria: ACMG Guidelines, 2015. Collection method: clinical testing. Allele origin: germline.